The following is an entry in ClinVar:

ClinVar aggregate classification (germline): Likely benign. Review status: criteria provided, multiple submitters, no conflicts (2 of 4 stars). 2 submissions from 2 submitters: Likely benign (2). Last evaluated 2025-04-01.

Conditions:
Tyrosinemia type I (TYRSN1). Also called: Tyrosinemia type 1; Fumarylacetoacetase deficiency; Deficiency of fumarylacetoacetase; HEPATORENAL TYROSINEMIA; FAH DEFICIENCY. Identifiers: Orphanet 882, MedGen C0268490, MONDO:0010161, OMIM 276700. Disease mechanism: loss of function.

Allele frequency attached by ClinVar (database versions not stated): gnomAD exomes below 0.00001; gnomAD 0.00001.
gnomAD v4.1: 2 of 1,614,098 alleles (0.00012%); highest among the groups gnomAD compares: African/African-American, 0.0013%; no homozygotes.

Submissions (2):

CeGaT Center for Human Genetics Tuebingen
Classification: Likely benign. Last evaluated: 2025-04-01. Review status: criteria provided, single submitter. Criteria: CeGaT Center For Human Genetics Tuebingen Variant Classification Criteria Version 2. Collection method: clinical testing. Allele origin: germline. Affected: yes. Observed: 1 variant allele.
Comment: FAH: BP4, BP7

Labcorp Genetics (formerly Invitae), Labcorp
Classification: Likely benign for Tyrosinemia type I. Last evaluated: 2023-01-09. Review status: criteria provided, single submitter. Criteria: Invitae Variant Classification Sherloc (09022015). Collection method: clinical testing. Allele origin: germline.

NM_000137.4(FAH):c.252C>T (p.Phe84=)

Gene: FAH (fumarylacetoacetate hydrolase; plus strand). Cytogenetic location: 15q25.1.
Variant type: single nucleotide variant.
Coding change: c.252C>T on transcript NM_000137.4 (MANE Select); coding-DNA position 252, C replaced by T.
Protein change: p.Phe84=; no amino-acid change (phenylalanine 84 retained).
Molecular consequence: synonymous variant.
Genome position (GRCh38, 1-based): chr15:80,159,815, C>T. VCF-style: chr15-80159815-C-T. GRCh37 (hg19) VCF-style: chr15-80452157-C-T.
Other names: c.252C>T, p.Phe84= (NM_001374377.1, NM_001374380.1).
Identifiers: ClinVar variation 1555882 (VCV001555882.15), dbSNP rs2041132568, ClinGen allele CA491675336.